The following is an entry in ClinVar:

ClinVar aggregate classification (germline): Uncertain significance (1 of 4 stars; one submission).

Conditions:
Dystonic disorder. Also called: Dystonia. Identifiers: MedGen C0013421, MONDO:0003441, HP:0001332.

Submission:

Labcorp Genetics (formerly Invitae), Labcorp
Classification: Uncertain significance for Dystonic disorder. Last evaluated: 2022-09-26. Review status: criteria provided, single submitter. Criteria: Invitae Variant Classification Sherloc (09022015). Collection method: clinical testing. Allele origin: germline.
Comment: In summary, the available evidence is currently insufficient to determine the role of this variant in disease. Therefore, it has been classified as a Variant of Uncertain Significance. Experimental studies and prediction algorithms are not available or were not evaluated, and the functional significance of this variant is currently unknown. This variant has not been reported in the literature in individuals affected with TOR1A-related conditions. This variant results in a copy number gain of the genomic region encompassing exon(s) 5 of the TOR1A gene. This region includes the termination codon of the gene. This copy number gain extends beyond the assayed region for this gene and therefore may encompass additional genes. As the precise location of this event is unknown, it may be in tandem or it may be located elsewhere in the genome.

NC_000009.11:g.(?_132576251)_(132576521_?)dup

Gene: TOR1A (torsin family 1 member A; minus strand). Cytogenetic location: 9q34.11.
Variant type: Duplication.
Identifiers: ClinVar variation 2422366 (VCV002422366.4).